The following is an entry in ClinVar:

ClinVar aggregate classification (germline): Likely benign (0 of 4 stars; one submission).

Conditions:
FMN1-related disorder. Also called: FMN1-related condition.

Allele frequency attached by ClinVar (database versions not stated): gnomAD exomes 0.00001; ExAC 0.00003; gnomAD 0.00009; TOPMed 0.00011; ESP Exome Variant Server 0.00016.
gnomAD v4.1: 34 of 1,613,746 alleles (0.0021%); highest among the groups gnomAD compares: African/African-American, 0.043%; no homozygotes.

Submission:

PreventionGenetics, part of Exact Sciences
Classification: Likely benign for FMN1-related condition. Last evaluated: 2019-04-09. Review status: no assertion criteria provided. Collection method: clinical testing. Allele origin: germline.
Comment: This variant is classified as likely benign based on ACMG/AMP sequence variant interpretation guidelines (Richards et al. 2015 PMID: 25741868, with internal and published modifications).

NM_001277313.2(FMN1):c.2469C>T (p.Thr823=)

Gene: FMN1 (formin 1; minus strand). Cytogenetic location: 15q13.3.
Variant type: single nucleotide variant.
Coding change: c.2469C>T on transcript NM_001277313.2 (MANE Select); coding-DNA position 2469, C replaced by T.
Protein change: p.Thr823=; no amino-acid change (threonine 823 retained).
Molecular consequence: synonymous variant.
Genome position (GRCh38, 1-based): chr15:32,969,232, G>A on the plus strand (C>T on the coding strand, the complement: FMN1 is on the minus strand). VCF-style: chr15-32969232-G-A. GRCh37 (hg19) VCF-style: chr15-33261433-G-A.
Other names: c.1800C>T, p.Thr600= (NM_001103184.4).
Identifiers: ClinVar variation 3057606 (VCV003057606.2), dbSNP rs374374931, ClinGen allele CA7456943.